The following is an entry in ClinVar:

NM_004655.4(AXIN2):c.1730C>A (p.Thr577Asn)

Gene: AXIN2 (axin 2; minus strand). Cytogenetic location: 17q24.1.
Variant type: single nucleotide variant.
Coding change: c.1730C>A on transcript NM_004655.4 (MANE Select); coding-DNA position 1730, C replaced by A.
Protein change: p.Thr577Asn; replaces threonine 577 with asparagine.
Molecular consequence: missense variant. On other transcripts: intron variant (1).
Genome position (GRCh38, 1-based): chr17:65,537,046, G>T on the plus strand (C>A on the coding strand, the complement: AXIN2 is on the minus strand). VCF-style: chr17-65537046-G-T. GRCh37 (hg19) VCF-style: chr17-63533164-G-T.
Other names: c.1730C>A (NM_004655.3); c.1712+278C>A (NM_001363813.1); short protein forms T577N.
Identifiers: ClinVar variation 1063773 (VCV001063773.11), dbSNP rs760939811, ClinGen allele CA400676729.
Genomic context (GRCh38, chr17:65,537,046, plus strand): 5'-CCTTCCCTGGCGGGCAGGGCCAGGCCCGGCTCCGTGCCTTTCCCATTGCGTTTGGGCAAG[G>T]TACTGCCTCTGCTGCCGCTGTGGGGAACCAAGAACCACACCCAACCCAGAGACCCGGTTA-3'
Protein context (NP_004646.3, residues 567-587): SEQFGGSRGS[Thr577Asn]LPKRNGKGTE

ClinVar aggregate classification (germline): Uncertain significance. Review status: criteria provided, multiple submitters, no conflicts (2 of 4 stars). 3 submissions from 3 submitters: Uncertain significance (3). Last evaluated 2024-11-04.

Conditions:
Hereditary cancer-predisposing syndrome. Also called: Hereditary Cancer Syndrome; Hereditary neoplastic syndrome; Neoplastic Syndromes, Hereditary; Tumor predisposition. Identifiers: Orphanet 140162, MedGen C0027672, MeSH D009386, MONDO:0015356.
Colorectal cancer. Also called: Malignant Colorectal Neoplasm; Colorectal cancer, somatic. Identifiers: MedGen C0346629, MONDO:0005575, OMIM 114500.
Oligodontia-cancer predisposition syndrome. Also called: TOOTH AGENESIS-COLORECTAL CANCER SYNDROME. Identifiers: Orphanet 300576, MedGen C1837750, MONDO:0012075, OMIM 608615. Disease mechanism: loss of function.

gnomAD v4.1: 1 of 1,607,106 alleles (0.000062%); highest among the groups gnomAD compares: Admixed American, 0.0017%; no homozygotes.

Submissions (3):

Labcorp Genetics (formerly Invitae), Labcorp
Classification: Uncertain significance for Oligodontia-cancer predisposition syndrome. Last evaluated: 2024-11-04. Review status: criteria provided, single submitter. Criteria: Invitae Variant Classification Sherloc (09022015). Collection method: clinical testing. Allele origin: germline.
Comment: This sequence change replaces threonine, which is neutral and polar, with asparagine, which is neutral and polar, at codon 577 of the AXIN2 protein (p.Thr577Asn). This variant is not present in population databases (gnomAD no frequency). This variant has not been reported in the literature in individuals affected with AXIN2-related conditions. ClinVar contains an entry for this variant (Variation ID: 1063773). Invitae Evidence Modeling of protein sequence and biophysical properties (such as structural, functional, and spatial information, amino acid conservation, physicochemical variation, residue mobility, and thermodynamic stability) indicates that this missense variant is not expected to disrupt AXIN2 protein function with a negative predictive value of 80%. In summary, the available evidence is currently insufficient to determine the role of this variant in disease. Therefore, it has been classified as a Variant of Uncertain Significance.

Ambry Genetics
Classification: Uncertain significance for Hereditary cancer-predisposing syndrome. Last evaluated: 2024-01-17. Review status: criteria provided, single submitter. Criteria: Ambry Variant Classification Scheme 2023. Collection method: clinical testing. Allele origin: germline.
Comment: The p.T577N variant (also known as c.1730C>A), located in coding exon 6 of the AXIN2 gene, results from a C to A substitution at nucleotide position 1730. The threonine at codon 577 is replaced by asparagine, an amino acid with similar properties. This amino acid position is conserved. In addition, this alteration is predicted to be tolerated by in silico analysis. Based on the available evidence, the clinical significance of this alteration remains unclear.

Baylor Genetics
Classification: Uncertain significance for Colorectal cancer. Last evaluated: 2023-07-27. Review status: criteria provided, single submitter. Criteria: ACMG Guidelines, 2015. Collection method: clinical testing. Allele origin: unknown.